The following is an entry in ClinVar:

ClinVar aggregate classification (germline): Uncertain significance. Review status: criteria provided, multiple submitters, no conflicts (2 of 4 stars). 2 submissions from 2 submitters: Uncertain significance (2). Last evaluated 2025-11-03.

Submissions (2):

Labcorp Genetics (formerly Invitae), Labcorp
Classification: Uncertain significance. Last evaluated: 2025-11-03. Review status: criteria provided, single submitter. Criteria: Invitae Variant Classification Sherloc (09022015). Collection method: clinical testing. Allele origin: germline.
Comment: This sequence change replaces arginine, which is basic and polar, with glutamine, which is neutral and polar, at codon 263 of the ATPAF2 protein (p.Arg263Gln). This variant is present in population databases (rs752203704, gnomAD 0.01%). This variant has not been reported in the literature in individuals affected with ATPAF2-related conditions. ClinVar contains an entry for this variant (Variation ID: 3602240). Invitae Evidence Modeling of protein sequence and biophysical properties (such as structural, functional, and spatial information, amino acid conservation, physicochemical variation, residue mobility, and thermodynamic stability) indicates that this missense variant is not expected to disrupt ATPAF2 protein function with a negative predictive value of 80%. In summary, the available evidence is currently insufficient to determine the role of this variant in disease. Therefore, it has been classified as a Variant of Uncertain Significance.

GeneDx
Classification: Uncertain significance. Last evaluated: 2024-08-02. Review status: criteria provided, single submitter. Criteria: GeneDx Variant Classification Process June 2021. Collection method: clinical testing. Allele origin: germline. Affected: yes.
Comment: Not observed at significant frequency in large population cohorts (gnomAD); In silico analysis indicates that this missense variant does not alter protein structure/function; Has not been previously published as pathogenic or benign to our knowledge

NM_145691.4(ATPAF2):c.788G>A (p.Arg263Gln)

Gene: ATPAF2 (ATP synthase mitochondrial F1 complex assembly factor 2; minus strand). Cytogenetic location: 17p11.2.
Variant type: single nucleotide variant.
Coding change: c.788G>A on transcript NM_145691.4 (MANE Select); coding-DNA position 788, G replaced by A.
Protein change: p.Arg263Gln; replaces arginine 263 with glutamine.
Molecular consequence: missense variant.
Genome position (GRCh38, 1-based): chr17:18,018,631, C>T on the plus strand (G>A on the coding strand, the complement: ATPAF2 is on the minus strand). VCF-style: chr17-18018631-C-T. GRCh37 (hg19) VCF-style: chr17-17921945-C-T.
Other names: short protein forms R263Q.
Identifiers: ClinVar variation 3602240 (VCV003602240.2).